The following is an entry in ClinVar:

ClinVar aggregate classification (germline): Likely benign. Review status: criteria provided, multiple submitters, no conflicts (2 of 4 stars). 2 submissions from 2 submitters: Likely benign (2). Last evaluated 2025-07-02.

Submissions (2):

Mayo Clinic Laboratories, Mayo Clinic
Classification: Likely benign. Last evaluated: 2025-07-02. Review status: criteria provided, single submitter. Criteria: ACMG Guidelines, 2015. Collection method: clinical testing. Allele origin: germline. Observed: 1 variant allele.
Comment: BP4, BP7, PM2_supporting

Labcorp Genetics (formerly Invitae), Labcorp
Classification: Likely benign. Last evaluated: 2024-05-07. Review status: criteria provided, single submitter. Criteria: Invitae Variant Classification Sherloc (09022015). Collection method: clinical testing. Allele origin: germline.

NM_000188.3(HK1):c.2010C>T (p.Pro670=)

Gene: HK1 (hexokinase 1; plus strand). Cytogenetic location: 10q22.1.
Variant type: single nucleotide variant.
Coding change: c.2010C>T on transcript NM_000188.3 (MANE Select); coding-DNA position 2010, C replaced by T.
Protein change: p.Pro670=; no amino-acid change (proline 670 retained).
Molecular consequence: synonymous variant.
Genome position (GRCh38, 1-based): chr10:69,389,271, C>T. VCF-style: chr10-69389271-C-T. GRCh37 (hg19) VCF-style: chr10-71149027-C-T.
Other names: p.Pro669=; c.2007C>T (NM_033496.2); c.1974C>T, p.Pro658= (NM_033500.2); c.2022C>T, p.Pro674= (NM_001322364.2, NM_001358263.1, NM_033497.3 and 1 more transcripts); c.2115C>T, p.Pro705= (NM_001322365.2); c.1926C>T, p.Pro642= (NM_001322366.1); c.1914C>T, p.Pro638= (NM_001322367.1); c.2007C>T, p.Pro669= (NM_033496.3).
Identifiers: ClinVar variation 3691237 (VCV003691237.3).
Genomic context (GRCh38, chr10:69,389,271, plus strand): 5'-CGTGGTGGCTGTGGTCAACGACACAGTGGGCACCATGATGACCTGTGCTTATGAGGAGCC[C>T]ACCTGTGAGGTTGGACTCATTGTTGGTGAGTGTCCTGGAAGGTCTCTTTCCCTGCAGAAG-3'
Protein context (NP_000179.2, residues 660-680): GTMMTCAYEE[Pro670=]TCEVGLIVGT